The following is an entry in ClinVar:

NM_001367624.2(ZNF469):c.1741C>T (p.Pro581Ser)

Gene: ZNF469 (zinc finger protein 469; plus strand). Cytogenetic location: 16q24.2.
Variant type: single nucleotide variant.
Coding change: c.1741C>T on transcript NM_001367624.2 (MANE Select); coding-DNA position 1741, C replaced by T.
Protein change: p.Pro581Ser; replaces proline 581 with serine.
Molecular consequence: missense variant.
Genome position (GRCh38, 1-based): chr16:88,429,211, C>T. VCF-style: chr16-88429211-C-T. GRCh37 (hg19) VCF-style: chr16-88495619-C-T.
Other names: short protein forms P581S.
Identifiers: ClinVar variation 4774431 (VCV004774431.1).

ClinVar aggregate classification (germline): Uncertain significance (1 of 4 stars; one submission).

gnomAD v4.1: 4 of 1,549,850 alleles (0.00026%); highest among the groups gnomAD compares: South Asian, 0.0036%; no homozygotes.

Submission:

Labcorp Genetics (formerly Invitae), Labcorp
Classification: Uncertain significance. Last evaluated: 2025-07-20. Review status: criteria provided, single submitter. Criteria: Invitae Variant Classification Sherloc (09022015). Collection method: clinical testing. Allele origin: germline.
Comment: This sequence change replaces proline, which is neutral and non-polar, with serine, which is neutral and polar, at codon 581 of the ZNF469 protein (p.Pro581Ser). This variant is present in population databases (rs760259912, gnomAD 0.004%). This variant has not been reported in the literature in individuals affected with ZNF469-related conditions. An algorithm developed to predict the effect of missense changes on protein structure and function (PolyPhen-2) suggests that this variant is likely to be tolerated. In summary, the available evidence is currently insufficient to determine the role of this variant in disease. Therefore, it has been classified as a Variant of Uncertain Significance.